The following is an entry in ClinVar:

NM_002471.4(MYH6):c.2973C>T (p.Ile991=)

Gene: MYH6 (myosin heavy chain 6; minus strand). Cytogenetic location: 14q11.2.
Variant type: single nucleotide variant.
Coding change: c.2973C>T on transcript NM_002471.4 (MANE Select); coding-DNA position 2973, C replaced by T.
Protein change: p.Ile991=; no amino-acid change (isoleucine 991 retained).
Molecular consequence: synonymous variant.
Genome position (GRCh38, 1-based): chr14:23,393,474, G>A on the plus strand (C>T on the coding strand, the complement: MYH6 is on the minus strand). VCF-style: chr14-23393474-G-A. GRCh37 (hg19) VCF-style: chr14-23862683-G-A.
Identifiers: ClinVar variation 513385 (VCV000513385.15), dbSNP rs374807345, ClinGen allele CA7115333.
Genomic context (GRCh38, chr14:23,393,474, plus strand): 5'-GTCATCCAGGGCCTGCTGATGGGCCTCTTGTAGAGCTTTCTTCTCCTTGGTCAGCTTAGC[G>A]ATGATTTCATCCAGCCCAGCCATCTCCTCTGTTAGGTTCTTCACCTGCCGACCAAAAACC-3'
Protein context (NP_002462.2, residues 981-1001): TEEMAGLDEI[Ile991=]AKLTKEKKAL

ClinVar aggregate classification (germline): Likely benign. Review status: criteria provided, multiple submitters, no conflicts (2 of 4 stars). 6 submissions from 6 submitters: Likely benign (5). 1 of the submissions does not count toward it. Last evaluated 2025-05-05.

Conditions:
Cardiovascular phenotype. Identifiers: MedGen CN230736.
Hypertrophic cardiomyopathy 1 (CMH1). Also called: Familial hypertrophic cardiomyopathy 1; MYH7-Related Familial Hypertrophic Cardiomyopathy. Identifiers: MedGen C3495498, MONDO:0008647, OMIM 192600.
Atrial septal defect 3 (ASD3). Identifiers: Orphanet 1478, MedGen C3279790, MONDO:0013567, OMIM 614089.
Sick sinus syndrome 3, susceptibility to (SSS3). Identifiers: Orphanet 166282, MedGen C3279791, MONDO:0013568, OMIM 614090.
Dilated cardiomyopathy 1EE (CMD1EE). Identifiers: Orphanet 154, MedGen C2750466, MONDO:0013198, OMIM 613252.
Hypertrophic cardiomyopathy 14. Identifiers: MedGen C2750467, MONDO:0013197, OMIM 613251.
MYH6-related disorder. Also called: MYH6-Related Disorders; MYH6-related condition.

Allele frequency attached by ClinVar (database versions not stated): ExAC 0.00002; gnomAD exomes 0.00002; ESP Exome Variant Server 0.00008; gnomAD 0.00010 and 0.00011; TOPMed 0.00013.
gnomAD v4.1: 43 of 1,613,972 alleles (0.0027%); highest among the groups gnomAD compares: African/African-American, 0.028%; no homozygotes.

Submissions (6):

ARUP Laboratories, Molecular Genetics and Genomics, ARUP Laboratories
Classification: Likely benign. Last evaluated: 2025-05-05. Review status: criteria provided, single submitter. Criteria: ARUP Molecular Germline Variant Investigation Process 2024. Collection method: clinical testing. Allele origin: germline.

Labcorp Genetics (formerly Invitae), Labcorp
Classification: Likely benign for Hypertrophic cardiomyopathy 14. Last evaluated: 2024-12-16. Review status: criteria provided, single submitter. Criteria: Invitae Variant Classification Sherloc (09022015). Collection method: clinical testing. Allele origin: germline.

Ambry Genetics
Classification: Likely benign for Cardiovascular phenotype. Last evaluated: 2022-05-02. Review status: criteria provided, single submitter. Criteria: Ambry Variant Classification Scheme 2023. Collection method: clinical testing. Allele origin: germline.

Fulgent Genetics
Classification: Likely benign for Hypertrophic cardiomyopathy 1; Hypertrophic cardiomyopathy 14; Dilated cardiomyopathy 1EE; Atrial septal defect 3; Sick sinus syndrome 3, susceptibility to. Last evaluated: 2021-09-16. Review status: criteria provided, single submitter. Criteria: ACMG Guidelines, 2015. Collection method: clinical testing. Allele origin: unknown.

GeneDx
Classification: Likely benign. Last evaluated: 2017-11-16. Review status: criteria provided, single submitter. Criteria: GeneDx Variant Classification (06012015). Collection method: clinical testing. Allele origin: germline. Affected: yes.
Comment: This variant is considered likely benign or benign based on one or more of the following criteria: it is a conservative change, it occurs at a poorly conserved position in the protein, it is predicted to be benign by multiple in silico algorithms, and/or has population frequency not consistent with disease.

PreventionGenetics, part of Exact Sciences
Classification: Likely benign for MYH6-related condition. Last evaluated: 2020-09-18. Review status: no assertion criteria provided. Collection method: clinical testing. Allele origin: germline. Not counted in ClinVar's aggregate classification.
Comment: This variant is classified as likely benign based on ACMG/AMP sequence variant interpretation guidelines (Richards et al. 2015 PMID: 25741868, with internal and published modifications).